The following is an entry in ClinVar:

NM_002435.3(MPI):c.751del (p.Cys251fs)

Gene: MPI (mannose phosphate isomerase; plus strand). Cytogenetic location: 15q24.1.
Variant type: Deletion.
Coding change: c.751del on transcript NM_002435.3 (MANE Select); coding-DNA position 751, one base deleted (T; older notation c.751delT).
Protein change: p.Cys251fs; shifts the reading frame from cysteine 251.
Molecular consequence: frameshift variant.
Genome position (GRCh38, 1-based): chr15:74,896,232, T deleted. VCF-style (leftmost placement, unchanged base first): chr15-74896231-CT-C. GRCh37 (hg19) VCF-style: chr15-75188572-CT-C.
Other names: c.751del, p.Cys251fs (NM_001289155.2); c.601del, p.Cys201fs (NM_001289156.2); c.568del, p.Cys190fs (NM_001289157.2); c.691del, p.Cys231fs (NM_001330372.2); short protein forms C190fs, C231fs, C201fs, C251fs.
Identifiers: ClinVar variation 2817891 (VCV002817891.3), dbSNP rs2505825473, ClinGen allele CA2739269589.

ClinVar aggregate classification (germline): Pathogenic (1 of 4 stars; one submission).

Conditions:
MPI-congenital disorder of glycosylation. Also called: CONGENITAL DISORDER OF GLYCOSYLATION, TYPE Ib; CDG Ib; MPI-CDG; MPI DEFICIENCY; MANNOSEPHOSPHATE ISOMERASE DEFICIENCY; PROTEIN-LOSING ENTEROPATHY-HEPATIC FIBROSIS SYNDROME. Identifiers: Orphanet 79319, MedGen C1865145, MONDO:0011257, OMIM 602579.

Submission:

Labcorp Genetics (formerly Invitae), Labcorp
Classification: Pathogenic for MPI-congenital disorder of glycosylation. Last evaluated: 2022-12-02. Review status: criteria provided, single submitter. Criteria: Invitae Variant Classification Sherloc (09022015). Collection method: clinical testing. Allele origin: germline.
Comment: For these reasons, this variant has been classified as Pathogenic. This variant has not been reported in the literature in individuals affected with MPI-related conditions. This variant is not present in population databases (gnomAD no frequency). This sequence change creates a premature translational stop signal (p.Cys251Alafs*7) in the MPI gene. It is expected to result in an absent or disrupted protein product. Loss-of-function variants in MPI are known to be pathogenic (PMID: 19862844).

Literature cited by the submitters: PubMed 19862844.